The following is an entry in ClinVar:

NM_000038.6(APC):c.4765C>G (p.Arg1589Gly)

Gene: APC (APC regulator of Wnt signaling pathway; plus strand). Cytogenetic location: 5q22.2.
Variant type: single nucleotide variant.
Coding change: c.4765C>G on transcript NM_000038.6 (MANE Select); coding-DNA position 4765, C replaced by G.
Protein change: p.Arg1589Gly; replaces arginine 1589 with glycine.
Molecular consequence: missense variant.
Genome position (GRCh38, 1-based): chr5:112,840,359, C>G. VCF-style: chr5-112840359-C-G. GRCh37 (hg19) VCF-style: chr5-112176056-C-G.
Other names: p.R1589G:CGT>GGT; c.4765C>G, p.Arg1589Gly (NM_001127510.3, NM_001354895.2); c.4711C>G, p.Arg1571Gly (NM_001127511.3); c.4819C>G, p.Arg1607Gly (NM_001354896.2); c.4795C>G, p.Arg1599Gly (NM_001354897.2); c.4690C>G, p.Arg1564Gly (NM_001354898.2); c.4681C>G, p.Arg1561Gly (NM_001354899.2); c.4642C>G, p.Arg1548Gly (NM_001354900.2); and 6 more; short protein forms R1571G, R1589G, R1429G, R1498G, R1599G, R1607G, R1306G, R1548G.
Identifiers: ClinVar variation 142201 (VCV000142201.52), dbSNP rs72541813, ClinGen allele CA009730.

ClinVar aggregate classification (germline): Conflicting classifications of pathogenicity. Review status: criteria provided, conflicting classifications (1 of 4 stars). 19 submissions from 19 submitters: Uncertain significance (11); Likely benign (7). 1 of the submissions does not count toward it. Last evaluated 2026-01-19.

Conditions:
Diffuse midline glioma, H3 K27-altered. Identifiers: MedGen C5669877, MONDO:1060171.
APC-related disorder. Also called: APC-related condition.
Classic or attenuated familial adenomatous polyposis. Identifiers: MedGen CN372698, MONDO:0021057.
Hereditary cancer. Identifiers: MedGen C1333600.
APC-Associated Polyposis Disorders.
Gastric cancer. Also called: Stomach cancer; Malignant tumor of stomach. Identifiers: MedGen C0024623, MeSH D013274, MONDO:0001056, OMIM 613659, HP:0012126.
Hereditary cancer-predisposing syndrome. Also called: Tumor predisposition; Neoplastic Syndromes, Hereditary; Hereditary neoplastic syndrome; Hereditary Cancer Syndrome. Identifiers: Orphanet 140162, MedGen C0027672, MeSH D009386, MONDO:0015356.
Familial adenomatous polyposis 1 (FAP1). Also called: FAMILIAL ADENOMATOUS POLYPOSIS 1, ATTENUATED; POLYPOSIS, ADENOMATOUS INTESTINAL. Identifiers: MedGen C2713442, MONDO:0021056, OMIM 175100. Disease mechanism: loss of function.

Allele frequency attached by ClinVar (database versions not stated): TOPMed 0.00006; ESP Exome Variant Server 0.00015.
gnomAD v4.1: 135 of 1,614,028 alleles (0.0084%); highest among the groups gnomAD compares: Non-Finnish European, 0.011%; no homozygotes.

Submissions 1 to 11 of 19:

Labcorp Genetics (formerly Invitae), Labcorp
Classification: Likely benign for Familial adenomatous polyposis 1. Last evaluated: 2026-01-19. Review status: criteria provided, single submitter. Criteria: Invitae Variant Classification Sherloc (09022015). Collection method: clinical testing. Allele origin: germline.

GeneDx
Classification: Uncertain significance. Last evaluated: 2025-04-25. Review status: criteria provided, single submitter. Criteria: GeneDx Variant Classification Process June 2021. Collection method: clinical testing. Allele origin: germline. Affected: yes.
Comment: In silico analysis indicates that this missense variant does not alter protein structure/function; Observed in individuals with multiple adenomatous colon polyps, colorectal cancer, and other cancers, as well as in unaffected control participants from a study of colorectal cancer/polyposis (PMID: 30267214, 22773231, 27498913, 29684080, 36356413); This variant is associated with the following publications: (PMID: 18199528, 27498913, 22773231, 27156442, 29684080, 30122538, 36356413, 30267214)

Center for Genomic Medicine, Rigshospitalet, Copenhagen University Hospital
Classification: Likely benign. Last evaluated: 2025-03-04. Review status: criteria provided, single submitter. Criteria: ACMG Guidelines, 2015. Collection method: clinical testing. Allele origin: germline.

Molecular Diagnostics Laboratory, Catalan Institute of Oncology
Classification: Likely benign for Hereditary cancer-predisposing syndrome. Last evaluated: 2025-02-11. Review status: criteria provided, single submitter. Criteria: ClinGen ACMG Specifications APC V1.0.0. Collection method: clinical testing. Allele origin: germline.
Comment: BS1, BP1 c.4765C>G, located in exon 16 of the APC gene, is predicted to result in the substitution of Arg by Gly at codon 1589, p.(Arg1589Gly) (BP1).The variant allele was found in 12/117822 alleles, with a filter allele frequency of 0.006% at 95% confidence, within the European non-Finnish population in the gnomAD v2.1.1 database (non-cancer data set) (BS1). The SpliceAI algorithm predicts no significant impact on splicing. To our knowledge, functional studies have not been reported for this variant. At present ClinVar does not describe pathogenic or likely pathogenic missense variants in this codon. This variant has been reported in individuals affected with multiple colorectal adenomas (PMIDs: 22773231, 36356413). This variant has been reported in ClinVar database (4x likely benign, 12x uncertain significance), but it is not present in the LOVD database. Based on currently available information, the variant c.4765C>G should be considered a likely benign variant.

Quest Diagnostics Nichols Institute San Juan Capistrano
Classification: Uncertain significance. Last evaluated: 2025-01-10. Review status: criteria provided, single submitter. Criteria: Quest Diagnostics criteria. Collection method: clinical testing. Allele origin: unknown.
Comment: The APC c.4765C>G (p.Arg1589Gly) variant has been reported in the published literature in individuals with thyroid cancer (PMID: 29684080 (2018)) and colorectal polyps (PMID: 22773231 (2013)), as well as in reportedly healthy individuals (PMIDs: 18199528 (2008) and 30267214 (2018)). The frequency of this variant in the general population (Genome Aggregation Database) is higher than would generally be expected for pathogenic variants in this gene. Analysis of this variant using bioinformatics tools for the prediction of the effect of amino acid changes on protein structure and function yielded predictions that this variant is benign. Based on the available information, we are unable to determine the clinical significance of this variant.

PreventionGenetics, part of Exact Sciences
Classification: Likely benign for APC-related condition. Last evaluated: 2024-11-07. Review status: criteria provided, single submitter. Criteria: ACMG Guidelines, 2015. Collection method: clinical testing. Allele origin: germline.
Comment: This variant is classified as likely benign based on ACMG/AMP sequence variant interpretation guidelines (Richards et al. 2015 PMID: 25741868, with internal and published modifications).

All of Us Research Program, National Institutes of Health
Classification: Uncertain significance for Classic or attenuated familial adenomatous polyposis. Last evaluated: 2024-09-23. Review status: criteria provided, single submitter. Criteria: ACMG Guidelines, 2015. Collection method: clinical testing. Allele origin: germline. Inheritance: Autosomal dominant inheritance. Observed: 22 variant alleles, 22 heterozygotes.
Comment: This missense variant replaces arginine with glycine at codon 1589 of the APC protein. Computational prediction suggests that this variant may not impact protein structure and function (internally defined REVEL score threshold <= 0.5, PMID: 27666373). To our knowledge, functional studies have not been reported for this variant. This variant has been reported in individuals affected with multiple colorectal adenomas (PMID: 22773231), thyroid cancer (PMID: 29684080), and sarcoma (PMID: 27498913), but also in control individuals (PMID: 18199528, 30267214). This variant has been identified in 19/282472 chromosomes in the general population by the Genome Aggregation Database (gnomAD). The available evidence is insufficient to determine the role of this variant in disease conclusively. Therefore, this variant is classified as a Variant of Uncertain Significance.

This study involves interpretation of variants in research participants for the purpose of population health screening. Participant phenotype was not available at the time of variant classification. Additional details can be found in publication PMID: 35346344, PMCID: PMC8962531

Department of Pathology and Laboratory Medicine, Sinai Health System
Classification: Uncertain significance for Gastric cancer. Last evaluated: 2024-05-02. Review status: criteria provided, single submitter. Criteria: ACMG Guidelines, 2015. Collection method: clinical testing. Allele origin: germline. Affected: yes.

Color Diagnostics, LLC DBA Color Health
Classification: Uncertain significance for Hereditary cancer-predisposing syndrome. Last evaluated: 2024-03-25. Review status: criteria provided, single submitter. Criteria: ACMG Guidelines, 2015. Collection method: clinical testing. Allele origin: germline.
Comment: This missense variant replaces arginine with glycine at codon 1589 of the APC protein. Computational prediction suggests that this variant may not impact protein structure and function (internally defined REVEL score threshold <= 0.5, PMID: 27666373). To our knowledge, functional studies have not been reported for this variant. This variant has been reported in individuals affected with multiple colorectal adenomas (PMID: 22773231), thyroid cancer (PMID: 29684080), and sarcoma (PMID: 27498913), but also in control individuals (PMID: 18199528, 30267214). This variant has been identified in 19/282472 chromosomes in the general population by the Genome Aggregation Database (gnomAD). The available evidence is insufficient to determine the role of this variant in disease conclusively. Therefore, this variant is classified as a Variant of Uncertain Significance.

Mendelics
Classification: Likely benign for Hereditary cancer. Last evaluated: 2024-01-23. Review status: criteria provided, single submitter. Criteria: ACMG Guidelines, 2015. Collection method: clinical testing. Allele origin: unknown.

Women's Health and Genetics/Laboratory Corporation of America, LabCorp
Classification: Uncertain significance. Last evaluated: 2023-07-06. Review status: criteria provided, single submitter. Criteria: LabCorp Variant Classification Summary - May 2015. Collection method: clinical testing. Allele origin: germline.
Comment: Variant summary: APC c.4765C>G (p.Arg1589Gly) results in a non-conservative amino acid change in the encoded protein sequence. Four of five in-silico tools predict a damaging effect of the variant on protein function. The variant allele was found at a frequency of 6.8e-05 in 251116 control chromosomes (gnomAD). This frequency is not significantly higher than estimated for a pathogenic variant in APC causing Familial Adenomatous Polyposis (6.8e-05 vs 7.1e-05), allowing no conclusion about variant significance. c.4765C>G has been reported in the literature in individuals affected with a personal or family history of colorectal polyposis without strong evidence of causality (Poliani_2022, Urso_2013). These reports do not provide unequivocal conclusions about association of the variant with Familial Adenomatous Polyposis. To our knowledge, no experimental evidence demonstrating an impact on protein function has been reported. The following publications have been ascertained in the context of this evaluation (PMID: 36356413, 22773231). 11 submitters have cited clinical-significance assessments for this variant to ClinVar after 2014, and classified it as uncertain significance (n=9) or likely benign (n=2). Based on the evidence outlined above, the variant was classified as uncertain significance.